The following is an entry in ClinVar:

ClinVar aggregate classification (germline): Uncertain significance (1 of 4 stars; one submission).

Submission:

GeneDx
Classification: Uncertain significance. Last evaluated: 2026-02-25. Review status: criteria provided, single submitter. Criteria: GeneDx Variant Classification Process June 2021. Collection method: clinical testing. Allele origin: germline.
Comment: In silico analysis supports a deleterious effect on splicing; Has not been previously published as pathogenic or benign to our knowledge; No data available from ethnically-matched control populations to assess the frequency of this variant

NM_001042424.3(NSD2):c.-29-1406G>C

Genes: NSD2 (nuclear receptor binding SET domain protein 2; plus strand), LOC129992017 (ATAC-STARR-seq lymphoblastoid active region 21162; plus strand). Cytogenetic location: 4p16.3.
Variant type: single nucleotide variant.
Coding change: c.-29-1406G>C on transcript NM_001042424.3 (MANE Select); 1406 bases into the intron before 29 bases upstream of the start codon, G replaced by C.
Molecular consequence: intron variant. On other transcripts: splice acceptor variant (3).
Genome position (GRCh38, 1-based): chr4:1,899,220, G>C. VCF-style: chr4-1899220-G-C. GRCh37 (hg19) VCF-style: chr4-1900947-G-C.
Other names: c.-29-1406G>C (NM_001440892.1, NM_001440893.1, NM_001440894.1 and 6 more transcripts); c.-1102-1406G>C (NM_001440900.1); c.-835-1406G>C (NM_001440899.1); c.-204-1G>C (NM_133330.3, NM_133331.3, NM_007331.2).
Identifiers: ClinVar variation 4976498 (VCV004976498.1).
Genomic context (GRCh38, chr4:1,899,220, plus strand): 5'-GGGACTTCAACATTTTTTCAAGGTTTTACATTTGCTCTTTTTTTCCTGTCTCCTTCCTCA[G>C]CTGTCTGCTTTTCTGTGGAGACTGCGGGTTGCAGACACCAGCAGCCCCCTATTGCTGCAC-3'